The following is an entry in ClinVar:

ClinVar aggregate classification (germline): Uncertain significance (1 of 4 stars; one submission).

gnomAD v4.1: 2 of 1,612,118 alleles (0.00012%); highest among the groups gnomAD compares: Non-Finnish European, 0.00017%; no homozygotes.

Submission:

Labcorp Genetics (formerly Invitae), Labcorp
Classification: Uncertain significance. Last evaluated: 2025-05-13. Review status: criteria provided, single submitter. Criteria: Invitae Variant Classification Sherloc (09022015). Collection method: clinical testing. Allele origin: germline.
Comment: This sequence change affects codon 420 of the IRF4 mRNA. It is a 'silent' change, meaning that it does not change the encoded amino acid sequence of the IRF4 protein. This variant is not present in population databases (gnomAD no frequency). This variant has not been reported in the literature in individuals affected with IRF4-related conditions. Algorithms developed to predict the effect of sequence changes on RNA splicing suggest that this variant may disrupt the consensus splice site. In summary, the available evidence is currently insufficient to determine the role of this variant in disease. Therefore, it has been classified as a Variant of Uncertain Significance.

NM_002460.4(IRF4):c.1260C>T (p.Asn420=)

Gene: IRF4 (interferon regulatory factor 4; plus strand). Cytogenetic location: 6p25.3.
Variant type: single nucleotide variant.
Coding change: c.1260C>T on transcript NM_002460.4 (MANE Select); coding-DNA position 1260, C replaced by T.
Protein change: p.Asn420=; no amino-acid change (asparagine 420 retained).
Molecular consequence: synonymous variant. On other transcripts: non-coding transcript variant (1).
Genome position (GRCh38, 1-based): chr6:407,502, C>T. VCF-style: chr6-407502-C-T. GRCh37 (hg19) VCF-style: chr6-407502-C-T.
Other names: c.1257C>T, p.Asn419= (NM_001195286.2).
Identifiers: ClinVar variation 4694815 (VCV004694815.1).